The following is an entry in ClinVar:

ClinVar aggregate classification (germline): Likely benign. Review status: criteria provided, multiple submitters, no conflicts (2 of 4 stars). 3 submissions from 3 submitters: Likely benign (3). Last evaluated 2025-12-17.

Conditions:
Myopathy, congenital, with structured cores and z-line abnormalities. Also called: MULTIPLE STRUCTURED CORE DISEASE; CONGENITAL MYOPATHY 8. Identifiers: MedGen C5231445, MONDO:0032852, OMIM 618654.
Dilated cardiomyopathy 1AA (CMD1AA). Also called: Cardiomyopathy, dilated, 1AA, with or without LVNC; CARDIOMYOPATHY, FAMILIAL HYPERTROPHIC, 23, WITH OR WITHOUT LEFT VENTRICULAR NONCOMPACTION; CARDIOMYOPATHY, DILATED, 1AA, WITH OR WITHOUT LEFT VENTRICULAR NONCOMPACTION. Identifiers: Orphanet 154, MedGen C2677338, MONDO:0012808, OMIM 612158.
Myopathy, distal, 6, adult-onset, autosomal dominant. Identifiers: MedGen C5203349, MONDO:0032853, OMIM 618655.
Primary familial hypertrophic cardiomyopathy (HCM). Identifiers: Orphanet 99739, MedGen C0949658, MeSH D024741, MONDO:0024573. Inheritance: Various modes of inheritance.

Allele frequency attached by ClinVar (database versions not stated): gnomAD exomes 0.00002 and 0.00003; ExAC 0.00004; gnomAD 0.00004 and 0.00005; TOPMed 0.00005; 1000 Genomes Project 0.00020; 1000 Genomes Project 30x 0.00031.
gnomAD v4.1: 34 of 1,614,046 alleles (0.0021%); highest among the groups gnomAD compares: African/African-American, 0.013%; no homozygotes.

Submissions (3):

Labcorp Genetics (formerly Invitae), Labcorp
Classification: Likely benign for Primary familial hypertrophic cardiomyopathy; Dilated cardiomyopathy 1AA. Last evaluated: 2025-12-17. Review status: criteria provided, single submitter. Criteria: Invitae Variant Classification Sherloc (09022015). Collection method: clinical testing. Allele origin: germline.

Fulgent Genetics
Classification: Likely benign for Dilated cardiomyopathy 1AA; Myopathy, congenital, with structured cores and z-line abnormalities; Myopathy, distal, 6, adult-onset, autosomal dominant. Last evaluated: 2021-07-14. Review status: criteria provided, single submitter. Criteria: ACMG Guidelines, 2015. Collection method: clinical testing. Allele origin: unknown.

GeneDx
Classification: Likely benign. Last evaluated: 2017-06-19. Review status: criteria provided, single submitter. Criteria: GeneDx Variant Classification (06012015). Collection method: clinical testing. Allele origin: germline. Affected: yes.
Comment: This variant is considered likely benign or benign based on one or more of the following criteria: it is a conservative change, it occurs at a poorly conserved position in the protein, it is predicted to be benign by multiple in silico algorithms, and/or has population frequency not consistent with disease.

NM_001103.4(ACTN2):c.537-14C>T

Gene: ACTN2 (actinin alpha 2; plus strand). Cytogenetic location: 1q43.
Variant type: single nucleotide variant.
Coding change: c.537-14C>T on transcript NM_001103.4 (MANE Select); 14 bases into the intron before coding-DNA position 537, C replaced by T.
Molecular consequence: intron variant.
Genome position (GRCh38, 1-based): chr1:236,727,664, C>T. VCF-style: chr1-236727664-C-T. GRCh37 (hg19) VCF-style: chr1-236890964-C-T.
Other names: c.-285-14C>T (NM_001278344.2); c.537-14C>T (NM_001278343.2).
Identifiers: ClinVar variation 389941 (VCV000389941.10), dbSNP rs577211083, ClinGen allele CA1472829.